The following is an entry in ClinVar:

NM_000179.3(MSH6):c.2779A>C (p.Ile927Leu)

Gene: MSH6 (mutS homolog 6; plus strand). Cytogenetic location: 2p16.3.
Variant type: single nucleotide variant.
Coding change: c.2779A>C on transcript NM_000179.3 (MANE Select); coding-DNA position 2779, A replaced by C.
Protein change: p.Ile927Leu; replaces isoleucine 927 with leucine.
Molecular consequence: missense variant. On other transcripts: non-coding transcript variant (5), intron variant (2).
Genome position (GRCh38, 1-based): chr2:47,800,762, A>C. VCF-style: chr2-47800762-A-C. GRCh37 (hg19) VCF-style: chr2-48027901-A-C.
Other names: c.2482A>C, p.Ile828Leu (NM_001406819.1, NM_001406820.1, NM_001406821.1 and 10 more transcripts); c.1873A>C, p.Ile625Leu (NM_001406823.1, NM_001406829.1, NM_001406811.1 and 6 more transcripts); c.2611A>C, p.Ile871Leu (NM_001406826.1); c.724A>C, p.Ile242Leu (NM_001407362.1); c.2308+471A>C (NM_001406803.1); c.1606+1173A>C (NM_001406817.1); c.2254A>C, p.Ile752Leu (NM_001406807.1, NM_001406806.1, NM_001406799.1); c.2779A>C, p.Ile927Leu (NM_001406808.1, NM_001406809.1, NM_001406800.1 and 2 more transcripts); and 4 more; short protein forms I828L, I871L, I901L, I752L, I929L, I959L, I242L, I625L.
Identifiers: ClinVar variation 5024880 (VCV005024880.1).

ClinVar aggregate classification (germline): Uncertain significance (1 of 4 stars; one submission).

Conditions:
Hereditary cancer-predisposing syndrome. Also called: Neoplastic Syndromes, Hereditary; Tumor predisposition; Hereditary neoplastic syndrome; Hereditary Cancer Syndrome. Identifiers: Orphanet 140162, MedGen C0027672, MeSH D009386, MONDO:0015356.

Submission:

Ambry Genetics
Classification: Uncertain significance for Hereditary cancer-predisposing syndrome. Last evaluated: 2026-07-02. Review status: criteria provided, single submitter. Criteria: Ambry Variant Classification Scheme 2023. Collection method: clinical testing. Allele origin: germline.
Comment: The p.I927L variant (also known as c.2779A>C), located in coding exon 4 of the MSH6 gene, results from an A to C substitution at nucleotide position 2779. The isoleucine at codon 927 is replaced by leucine, an amino acid with highly similar properties. This amino acid position is conserved. In addition, this alteration is predicted to be deleterious by in silico analysis. Based on the available evidence, the clinical significance of this variant remains unclear.